The following is an entry in ClinVar:

NM_014915.3(ANKRD26):c.3893A>G (p.Asn1298Ser)

Gene: ANKRD26 (ankyrin repeat domain 26; minus strand). Cytogenetic location: 10p12.1.
Variant type: single nucleotide variant.
Coding change: c.3893A>G on transcript NM_014915.3 (MANE Select); coding-DNA position 3893, A replaced by G.
Protein change: p.Asn1298Ser; replaces asparagine 1298 with serine.
Molecular consequence: missense variant.
Genome position (GRCh38, 1-based): chr10:27,028,931, T>C on the plus strand (A>G on the coding strand, the complement: ANKRD26 is on the minus strand). VCF-style: chr10-27028931-T-C. GRCh37 (hg19) VCF-style: chr10-27317860-T-C.
Other names: c.3890A>G, p.Asn1297Ser (NM_001256053.2); short protein forms N1297S, N1298S.
Identifiers: ClinVar variation 4859009 (VCV004859009.1).

ClinVar aggregate classification (germline): Uncertain significance (1 of 4 stars; one submission).

Conditions:
Inborn genetic diseases. Identifiers: MedGen C0950123, MeSH D030342.

Submission:

Ambry Genetics
Classification: Uncertain significance for Inborn genetic diseases. Last evaluated: 2026-03-16. Review status: criteria provided, single submitter. Criteria: Ambry Variant Classification Scheme 2023. Collection method: clinical testing. Allele origin: germline.
Comment: The p.N1298S variant (also known as c.3893A>G), located in coding exon 27 of the ANKRD26 gene, results from an A to G substitution at nucleotide position 3893. The asparagine at codon 1298 is replaced by serine, an amino acid with highly similar properties. This amino acid position is conserved. In addition, this alteration is predicted to be tolerated by in silico analysis. Based on the available evidence, the clinical significance of this variant remains unclear.